The following is an entry in ClinVar:

NM_001242896.3(DEPDC5):c.608T>C (p.Leu203Pro)

Gene: DEPDC5 (DEP domain containing 5, GATOR1 subcomplex subunit; plus strand). Cytogenetic location: 22q12.2.
Variant type: single nucleotide variant.
Coding change: c.608T>C on transcript NM_001242896.3 (MANE Select); coding-DNA position 608, T replaced by C.
Protein change: p.Leu203Pro; replaces leucine 203 with proline.
Molecular consequence: missense variant. On other transcripts: non-coding transcript variant (5).
Genome position (GRCh38, 1-based): chr22:31,784,859, T>C. VCF-style: chr22-31784859-T-C. GRCh37 (hg19) VCF-style: chr22-32180845-T-C.
Other names: c.608T>C, p.Leu203Pro (NM_001007188.4, NM_001136029.4, NM_001242897.2 and 7 more transcripts); c.524T>C, p.Leu175Pro (NM_001369901.1, NM_001369902.1); short protein forms L175P, L203P.
Identifiers: ClinVar variation 2653077 (VCV002653077.24), dbSNP rs2518397016, ClinGen allele CA411286297.
Genomic context (GRCh38, chr22:31,784,859, plus strand): 5'-ATTGTTTCTTTTCAGGGGATTTGTATTTTGAGAAAGCTGTGAATGGTTTCCTTGCTGATC[T>C]ATTTACCAAGTGGAAGGTACATTTCTTCTTACACACTAAGTCTCATTATGTAAACATTAC-3'
Protein context (NP_001229825.1, residues 193-213): EKAVNGFLAD[Leu203Pro]FTKWKEKNCS

ClinVar aggregate classification (germline): Uncertain significance (1 of 4 stars; one submission).

Submission:

CeGaT Center for Human Genetics Tuebingen
Classification: Uncertain significance. Last evaluated: 2023-10-01. Review status: criteria provided, single submitter. Criteria: CeGaT Center For Human Genetics Tuebingen Variant Classification Criteria Version 2. Collection method: clinical testing. Allele origin: germline. Affected: yes. Observed: 1 variant allele.
Comment: DEPDC5: PM2, PP3